The following is an entry in ClinVar:

NM_007294.4(BRCA1):c.2954C>A (p.Pro985His)

Gene: BRCA1 (BRCA1 DNA repair associated; minus strand). Cytogenetic location: 17q21.31.
Variant type: single nucleotide variant.
Coding change: c.2954C>A on transcript NM_007294.4 (MANE Select); coding-DNA position 2954, C replaced by A.
Protein change: p.Pro985His; replaces proline 985 with histidine.
Molecular consequence: missense variant. On other transcripts: intron variant (137).
Genome position (GRCh38, 1-based): chr17:43,092,577, G>T on the plus strand (C>A on the coding strand, the complement: BRCA1 is on the minus strand). VCF-style: chr17-43092577-G-T. GRCh37 (hg19) VCF-style: chr17-41244594-G-T.
Other names: c.2690C>A, p.Pro897His (NM_001407935.1, NM_001407920.1, NM_001407921.1 and 9 more transcripts); c.2687C>A, p.Pro896His (NM_001407936.1, NM_001407930.1, NM_001407931.1 and 2 more transcripts); c.2831C>A, p.Pro944His (NM_001407937.1, NM_001407938.1, NM_001407939.1 and 19 more transcripts); c.2828C>A, p.Pro943His (NM_001407940.1, NM_001407941.1, NM_001407671.1 and 11 more transcripts); c.2813C>A, p.Pro938His (NM_001407942.1, NM_001407944.1, NM_001407692.1 and 29 more transcripts); c.2810C>A, p.Pro937His (NM_001407943.1, NM_001407964.1, NM_001407740.1 and 20 more transcripts); c.2618C>A, p.Pro873His (NM_001407954.1, NM_001407955.1, NM_001407956.1 and 1 more transcripts); c.2621C>A, p.Pro874His (NM_001407957.1, NM_001407946.1, NM_001407947.1 and 6 more transcripts); and 41 more; short protein forms P689H, P817H, P857H, P858H, P873H, P874H, P896H, P897H.
Identifiers: ClinVar variation 4867746 (VCV004867746.1).
Genomic context (GRCh38, chr17:43,092,577, plus strand): 5'-TCCTCAAAGTTTTCCTCTAGCAGATTTTTCTTACATTTAGTTTTAACAAATGACTTGATG[G>T]GAAAAAGTGGTGGTATACGATATGGGTTTTGTAAAAGTCCATGTTTATTTGGAGTAATGA-3'
Protein context (NP_009225.1, residues 975-995): QNPYRIPPLF[Pro985His]IKSFVKTKCK

ClinVar aggregate classification (germline): Uncertain significance (1 of 4 stars; one submission).

Conditions:
Hereditary cancer-predisposing syndrome. Also called: Neoplastic Syndromes, Hereditary; Tumor predisposition; Hereditary Cancer Syndrome; Hereditary neoplastic syndrome. Identifiers: Orphanet 140162, MedGen C0027672, MeSH D009386, MONDO:0015356.

Submission:

Ambry Genetics
Classification: Uncertain significance for Hereditary cancer-predisposing syndrome. Last evaluated: 2026-05-30. Review status: criteria provided, single submitter. Criteria: Ambry Variant Classification Scheme 2023. Collection method: clinical testing. Allele origin: germline.
Comment: The p.P985H variant (also known as c.2954C>A), located in coding exon 9 of the BRCA1 gene, results from a C to A substitution at nucleotide position 2954. The proline at codon 985 is replaced by histidine, an amino acid with similar properties. This amino acid position is conserved. In addition, the in silico prediction for this alteration is inconclusive. Based on the available evidence, the clinical significance of this variant remains unclear.